The following is an entry in ClinVar:

ClinVar aggregate classification (germline): Likely pathogenic. Review status: criteria provided, multiple submitters, no conflicts (2 of 4 stars). 2 submissions from 2 submitters: Likely pathogenic (2). Last evaluated 2026-01-12.

Conditions:
Congenital myotonia, autosomal recessive form. Also called: BECKER DISEASE; Becker Generalized Myotonia; myotonia congenita, autosomal recessive. Identifiers: Orphanet 614, MedGen C0751360, MONDO:0009715, OMIM 255700.
Congenital myotonia, autosomal dominant form (THD). Also called: THOMSEN DISEASE; Myotonia congenita autosomal dominant. Identifiers: Orphanet 614, MedGen C2936781, MONDO:0008055, OMIM 160800.

gnomAD v4.1: 15 of 1,614,132 alleles (0.00093%); highest among the groups gnomAD compares: Non-Finnish European, 0.0013%; no homozygotes.

Submissions (2):

Labcorp Genetics (formerly Invitae), Labcorp
Classification: Likely pathogenic for Congenital myotonia, autosomal recessive form; Congenital myotonia, autosomal dominant form. Last evaluated: 2026-01-12. Review status: criteria provided, single submitter. Criteria: Invitae Variant Classification Sherloc (09022015). Collection method: clinical testing. Allele origin: germline.
Comment: This sequence change replaces glycine, which is neutral and non-polar, with valine, which is neutral and non-polar, at codon 285 of the CLCN1 protein (p.Gly285Val). This variant is not present in population databases (gnomAD no frequency). This missense change has been observed in individual(s) with autosomal recessive myotonia congenita (internal data). In at least one individual the data is consistent with being in trans (on the opposite chromosome) from a pathogenic variant. ClinVar contains an entry for this variant (Variation ID: 2083486). An algorithm developed to predict the effect of missense changes on protein structure and function (PolyPhen-2) suggests that this variant is likely to be disruptive. Experimental studies have shown that this missense change affects CLCN1 function (PMID: 34529042). Algorithms developed to predict the effect of sequence changes on RNA splicing suggest that this variant may disrupt the consensus splice site. This variant disrupts the p.Gly285 amino acid residue in CLCN1. Other variant(s) that disrupt this residue have been determined to be pathogenic (PMID: 9736777, 12390967, 18337730, 21387378, 24037712). This suggests that this residue is clinically significant, and that variants that disrupt this residue are likely to be disease-causing. In summary, the currently available evidence indicates that the variant is pathogenic, but additional data are needed to prove that conclusively. Therefore, this variant has been classified as Likely Pathogenic.

Women's Health and Genetics/Laboratory Corporation of America, LabCorp
Classification: Likely pathogenic for Congenital myotonia, autosomal recessive form. Last evaluated: 2025-04-30. Review status: criteria provided, single submitter. Criteria: LabCorp Variant Classification Summary - May 2015. Collection method: clinical testing. Allele origin: germline.
Comment: Variant summary: CLCN1 c.854G>T (p.Gly285Val) results in a non-conservative amino acid change in the encoded protein sequence. Five of five in-silico tools predict a damaging effect of the variant on protein function. Several computational tools predict a significant impact on normal splicing: One predict the variant abolishes a 3' acceptor site. Two predict the variant weakens a 3' acceptor site. One predict the variant no significant impact on splicing. However, these predictions have yet to be confirmed by functional studies. The variant was absent in 251352 control chromosomes. c.854G>T has been observed as heterozygous in an individual affected with autosomal dominant Myotonia congenita (Suetterlin_2022). This variant has also been observed as compound heterozygous in an individual with autosomal recessive myotonia congenita (Invitae). At least one publication reports experimental evidence evaluating an impact on protein function (Suetterlin_2022). The most pronounced variant effect results in significant loss of channel activity. The following publication have been ascertained in the context of this evaluation (PMID: 34529042). ClinVar contains an entry for this variant (Variation ID: 2083486). Based on the evidence outlined above, the variant was classified as likely pathogenic.

Literature cited by the submitters: PubMed 34529042 (cited by Labcorp Genetics (formerly Invitae), Labcorp and Women's Health and Genetics/Laboratory Corporation of America, LabCorp); PubMed 9736777 (cited by Labcorp Genetics (formerly Invitae), Labcorp); PubMed 12390967 (cited by Labcorp Genetics (formerly Invitae), Labcorp); PubMed 18337730 (cited by Labcorp Genetics (formerly Invitae), Labcorp); PubMed 21387378 (cited by Labcorp Genetics (formerly Invitae), Labcorp); PubMed 24037712 (cited by Labcorp Genetics (formerly Invitae), Labcorp).

NM_000083.3(CLCN1):c.854G>T (p.Gly285Val)

Gene: CLCN1 (chloride voltage-gated channel 1; plus strand). Cytogenetic location: 7q34.
Variant type: single nucleotide variant.
Coding change: c.854G>T on transcript NM_000083.3 (MANE Select); coding-DNA position 854, G replaced by T.
Protein change: p.Gly285Val; replaces glycine 285 with valine.
Molecular consequence: missense variant. On other transcripts: non-coding transcript variant (1).
Genome position (GRCh38, 1-based): chr7:143,330,772, G>T. VCF-style: chr7-143330772-G-T. GRCh37 (hg19) VCF-style: chr7-143027865-G-T.
Other names: short protein forms G285V.
Identifiers: ClinVar variation 2083486 (VCV002083486.6), dbSNP rs150885084, ClinGen allele CA369641489.
Genomic context (GRCh38, chr7:143,330,772, plus strand): 5'-GAGTGTGGGGGAGCACTTTCACTGCTGGCTGCCCCCAACCACACTTCTGTGCCCCTGCAG[G>T]AGTGCTATTTAGCATCGAGGTCACCTCCACCTACTTTGCTGTTCGGAACTACTGGAGAGG-3'
Protein context (NP_000074.3, residues 275-295): VGCCFGTPLG[Gly285Val]VLFSIEVTST